The following is an entry in ClinVar:

ClinVar aggregate classification (germline): Uncertain significance (1 of 4 stars; one submission).

Submission:

Women's Health and Genetics/Laboratory Corporation of America, LabCorp
Classification: Uncertain significance. Last evaluated: 2026-01-05. Review status: criteria provided, single submitter. Criteria: LabCorp Variant Classification Summary - May 2015. Collection method: clinical testing. Allele origin: germline.
Comment: Variant summary: DLGAP2 c.1370delC (p.Ser457TyrfsX12) results in a premature termination codon, predicted to cause a truncation of the encoded protein or absence of the protein due to nonsense mediated decay, however current evidence is not sufficient to establish loss of function as a mechanism for disease. The variant was absent in 248652 control chromosomes. The available data on variant occurrences in the general population are insufficient to allow any conclusion about variant significance. To our knowledge, no occurrence of c.1370delC in individuals affected with DLGAP2-related conditions and no experimental evidence demonstrating its impact on protein function have been reported. No submitters have cited clinical-significance assessments for this variant to ClinVar. Based on the evidence outlined above, the variant was classified as uncertain significance.

NM_001346810.2(DLGAP2):c.1370del (p.Ser457fs)

Genes: DLGAP2 (DLG associated protein 2; plus strand), DLGAP2-AS1 (DLGAP2 antisense RNA 1; minus strand). Cytogenetic location: 8p23.3.
Variant type: Deletion.
Coding change: c.1370del on transcript NM_001346810.2 (MANE Select); coding-DNA position 1370, one base deleted (C; older notation c.1370delC).
Protein change: p.Ser457fs; shifts the reading frame from serine 457.
Molecular consequence: frameshift variant.
Genome position (GRCh38, 1-based): chr8:1,565,822, C deleted. VCF-style (leftmost placement, unchanged base first): chr8-1565821-TC-T. GRCh37 (hg19) VCF-style: chr8-1513987-TC-T.
Other names: c.1370delC (NM_001346810.2); short protein forms S457fs.
Identifiers: ClinVar variation 4689663 (VCV004689663.1).